The following is an entry in ClinVar:

ClinVar aggregate classification (germline): Uncertain significance. Review status: criteria provided, multiple submitters, no conflicts (2 of 4 stars). 2 submissions from 2 submitters: Uncertain significance (2). Last evaluated 2025-11-26.

Submissions (2):

Ambry Genetics
Classification: Uncertain significance. Last evaluated: 2025-11-26. Review status: criteria provided, single submitter. Criteria: Ambry Variant Classification Scheme 2023. Collection method: clinical testing. Allele origin: germline.

Labcorp Genetics (formerly Invitae), Labcorp
Classification: Uncertain significance. Last evaluated: 2024-10-24. Review status: criteria provided, single submitter. Criteria: Invitae Variant Classification Sherloc (09022015). Collection method: clinical testing. Allele origin: germline.
Comment: This sequence change replaces valine, which is neutral and non-polar, with leucine, which is neutral and non-polar, at codon 212 of the MS4A1 protein (p.Val212Leu). This variant is present in population databases (no rsID available, gnomAD 0.009%). This variant has not been reported in the literature in individuals affected with MS4A1-related conditions. An algorithm developed to predict the effect of missense changes on protein structure and function (PolyPhen-2) suggests that this variant is likely to be disruptive. In summary, the available evidence is currently insufficient to determine the role of this variant in disease. Therefore, it has been classified as a Variant of Uncertain Significance.

NM_152866.3(MS4A1):c.634G>C (p.Val212Leu)

Gene: MS4A1 (membrane spanning 4-domains A1; plus strand). Cytogenetic location: 11q12.2.
Variant type: single nucleotide variant.
Coding change: c.634G>C on transcript NM_152866.3 (MANE Select); coding-DNA position 634, G replaced by C.
Protein change: p.Val212Leu; replaces valine 212 with leucine.
Molecular consequence: missense variant.
Genome position (GRCh38, 1-based): chr11:60,467,019, G>C. VCF-style: chr11-60467019-G-C. GRCh37 (hg19) VCF-style: chr11-60234492-G-C.
Other names: c.634G>C, p.Val212Leu (NM_021950.4, NM_152867.2); short protein forms V212L.
Identifiers: ClinVar variation 3697959 (VCV003697959.3).